The following is an entry in ClinVar:

ClinVar aggregate classification (germline): Likely benign (0 of 4 stars; one submission).

Conditions:
SUPT16H-related disorder. Also called: SUPT16H-related condition.

Submission:

PreventionGenetics, part of Exact Sciences
Classification: Likely benign for SUPT16H-related condition. Last evaluated: 2019-03-01. Review status: no assertion criteria provided. Collection method: clinical testing. Allele origin: germline.
Comment: This variant is classified as likely benign based on ACMG/AMP sequence variant interpretation guidelines (Richards et al. 2015 PMID: 25741868, with internal and published modifications).

NM_007192.4(SUPT16H):c.1896T>C (p.Tyr632=)

Gene: SUPT16H (SPT16 homolog, facilitates chromatin remodeling subunit; minus strand). Cytogenetic location: 14q11.2.
Variant type: single nucleotide variant.
Coding change: c.1896T>C on transcript NM_007192.4 (MANE Select); coding-DNA position 1896, T replaced by C.
Protein change: p.Tyr632=; no amino-acid change (tyrosine 632 retained).
Molecular consequence: synonymous variant.
Genome position (GRCh38, 1-based): chr14:21,361,111, A>G on the plus strand (T>C on the coding strand, the complement: SUPT16H is on the minus strand). VCF-style: chr14-21361111-A-G. GRCh37 (hg19) VCF-style: chr14-21829270-A-G.
Identifiers: ClinVar variation 3352882 (VCV003352882.1).